The following is an entry in ClinVar:

NM_021098.3(CACNA1H):c.3139G>A (p.Glu1047Lys)

Gene: CACNA1H (calcium voltage-gated channel subunit alpha1 H; plus strand). Cytogenetic location: 16p13.3.
Variant type: single nucleotide variant.
Coding change: c.3139G>A on transcript NM_021098.3 (MANE Select); coding-DNA position 3139, G replaced by A.
Protein change: p.Glu1047Lys; replaces glutamic acid 1047 with lysine.
Molecular consequence: missense variant.
Genome position (GRCh38, 1-based): chr16:1,207,845, G>A. VCF-style: chr16-1207845-G-A. GRCh37 (hg19) VCF-style: chr16-1257845-G-A.
Other names: c.3139G>A, p.Glu1047Lys (NM_001005407.2); short protein forms E1047K.
Identifiers: ClinVar variation 572816 (VCV000572816.8), dbSNP rs1555514736, ClinGen allele CA394171434.

ClinVar aggregate classification (germline): Uncertain significance (1 of 4 stars; one submission).

Conditions:
Idiopathic generalized epilepsy. Also called: Generalised epilepsy; EIG. Identifiers: MedGen C0270850, MONDO:0005579, OMIM 600669.
Hyperaldosteronism, familial, type IV (HALD4). Also called: FH IV; ALDOSTERONISM, PRIMARY, AND HYPERTENSION. Identifiers: Orphanet 642671, MedGen C4310756, MONDO:0014875, OMIM 617027.

Allele frequency attached by ClinVar (database versions not stated): TOPMed 0.00001.
gnomAD v4.1: 1 of 1,596,392 alleles (0.000063%); highest among the groups gnomAD compares: Non-Finnish European, 0.000085%; no homozygotes.

Submission:

Labcorp Genetics (formerly Invitae), Labcorp
Classification: Uncertain significance for Idiopathic generalized epilepsy; Hyperaldosteronism, familial, type IV. Last evaluated: 2018-02-21. Review status: criteria provided, single submitter. Criteria: Invitae Variant Classification Sherloc (09022015). Collection method: clinical testing. Allele origin: germline.
Comment: This variant has not been reported in the literature in individuals with CACNA1H-related disease. This variant is not present in population databases (ExAC no frequency). This sequence change replaces glutamic acid with lysine at codon 1047 of the CACNA1H protein (p.Glu1047Lys). The glutamic acid residue is weakly conserved and there is a small physicochemical difference between glutamic acid and lysine. In summary, the available evidence is currently insufficient to determine the role of this variant in disease. Therefore, it has been classified as a Variant of Uncertain Significance. Algorithms developed to predict the effect of missense changes on protein structure and function (SIFT, PolyPhen-2, Align-GVGD) all suggest that this variant is likely to be tolerated, but these predictions have not been confirmed by published functional studies and their clinical significance is uncertain.